The following is an entry in ClinVar:

ClinVar aggregate classification (germline): Uncertain significance. Review status: criteria provided, multiple submitters, no conflicts (2 of 4 stars). 2 submissions from 2 submitters: Uncertain significance (2). Last evaluated 2023-10-27.

Submissions (2):

GeneDx
Classification: Uncertain significance. Last evaluated: 2023-10-27. Review status: criteria provided, single submitter. Criteria: GeneDx Variant Classification Process June 2021. Collection method: clinical testing. Allele origin: germline. Affected: yes.
Comment: Not observed at significant frequency in large population cohorts (gnomAD); In silico analysis supports that this missense variant has a deleterious effect on protein structure/function; Has not been previously published as pathogenic or benign to our knowledge

Labcorp Genetics (formerly Invitae), Labcorp
Classification: Uncertain significance. Last evaluated: 2021-08-09. Review status: criteria provided, single submitter. Criteria: Invitae Variant Classification Sherloc (09022015). Collection method: clinical testing. Allele origin: germline.
Comment: In summary, the available evidence is currently insufficient to determine the role of this variant in disease. Therefore, it has been classified as a Variant of Uncertain Significance. Algorithms developed to predict the effect of missense changes on protein structure and function output the following: SIFT: "Deleterious"; PolyPhen-2: "Benign"; Align-GVGD: "Class C35". The glutamic acid amino acid residue is found in multiple mammalian species, which suggests that this missense change does not adversely affect protein function. This variant has not been reported in the literature in individuals affected with MYH9-related conditions. This variant is not present in population databases (ExAC no frequency). This sequence change replaces aspartic acid with glutamic acid at codon 690 of the MYH9 protein (p.Asp690Glu). The aspartic acid residue is highly conserved and there is a small physicochemical difference between aspartic acid and glutamic acid.

NM_002473.6(MYH9):c.2070C>A (p.Asp690Glu)

Gene: MYH9 (myosin heavy chain 9; minus strand). Cytogenetic location: 22q12.3.
Variant type: single nucleotide variant.
Coding change: c.2070C>A on transcript NM_002473.6 (MANE Select); coding-DNA position 2070, C replaced by A.
Protein change: p.Asp690Glu; replaces aspartic acid 690 with glutamic acid.
Molecular consequence: missense variant.
Genome position (GRCh38, 1-based): chr22:36,306,019, G>T on the plus strand (C>A on the coding strand, the complement: MYH9 is on the minus strand). VCF-style: chr22-36306019-G-T. GRCh37 (hg19) VCF-style: chr22-36702065-G-T.
Other names: c.2070C>A (NM_002473.4); short protein forms D690E.
Identifiers: ClinVar variation 1373761 (VCV001373761.7), dbSNP rs2146348210, ClinGen allele CA411397507.